The following is an entry in ClinVar:

NM_001291303.3(FAT4):c.13641G>T (p.Glu4547Asp)

Gene: FAT4 (FAT atypical cadherin 4; plus strand). Cytogenetic location: 4q28.1.
Variant type: single nucleotide variant.
Coding change: c.13641G>T on transcript NM_001291303.3 (MANE Select); coding-DNA position 13641, G replaced by T.
Protein change: p.Glu4547Asp; replaces glutamic acid 4547 with aspartic acid.
Molecular consequence: missense variant.
Genome position (GRCh38, 1-based): chr4:125,490,457, G>T. VCF-style: chr4-125490457-G-T. GRCh37 (hg19) VCF-style: chr4-126411612-G-T.
Other names: c.13638G>T, p.Glu4546Asp (NM_001291285.3); c.13635G>T, p.Glu4545Asp (NM_024582.6); short protein forms E4545D, E4546D, E4547D.
Identifiers: ClinVar variation 2443483 (VCV002443483.1), dbSNP rs974151247, ClinGen allele CA104876154.

ClinVar aggregate classification (germline): Uncertain significance (1 of 4 stars; one submission).

Allele frequency attached by ClinVar (database versions not stated): TOPMed below 0.00001; gnomAD 0.00001; gnomAD exomes 0.00005.
gnomAD v4.1: 65 of 1,614,002 alleles (0.004%); highest among the groups gnomAD compares: Non-Finnish European, 0.0055%; no homozygotes.

Submission:

GeneDx
Classification: Uncertain significance. Last evaluated: 2022-09-13. Review status: criteria provided, single submitter. Criteria: GeneDx Variant Classification Process June 2021. Collection method: clinical testing. Allele origin: germline. Affected: yes.
Comment: Not observed at significant frequency in large population cohorts (gnomAD); In silico analysis supports that this missense variant does not alter protein structure/function; Has not been previously published as pathogenic or benign to our knowledge